The following is an entry in ClinVar:

NM_001470.4(GABBR1):c.1531C>G (p.Arg511Gly)

Gene: GABBR1 (gamma-aminobutyric acid type B receptor subunit 1; minus strand). Cytogenetic location: 6p22.1.
Variant type: single nucleotide variant.
Coding change: c.1531C>G on transcript NM_001470.4 (MANE Select); coding-DNA position 1531, C replaced by G.
Protein change: p.Arg511Gly; replaces arginine 511 with glycine.
Molecular consequence: missense variant.
Genome position (GRCh38, 1-based): chr6:29,613,278, G>C on the plus strand (C>G on the coding strand, the complement: GABBR1 is on the minus strand). VCF-style: chr6-29613278-G-C. GRCh37 (hg19) VCF-style: chr6-29581055-G-C.
Other names: c.1000C>G, p.Arg334Gly (NM_001319053.2); c.1180C>G, p.Arg394Gly (NM_021903.3); c.1345C>G, p.Arg449Gly (NM_021904.4); short protein forms R334G, R511G, R449G, R394G.
Identifiers: ClinVar variation 2527344 (VCV002527344.4), dbSNP rs771699197, ClinGen allele CA135974415.
Genomic context (GRCh38, chr6:29,613,278, plus strand): 5'-GAGTATGAAGGAAGTTTTAACTCACAGAGACACCCTCAAAGGACGAAGAGTTCATTGCCC[G>C]GTAGATTTGGTCGGTAATGGTCTGGTTGTTGTAGTTGAAGTCCTCCAGGCGCACACCAGA-3'
Protein context (NP_001461.1, residues 501-521): NNQTITDQIY[Arg511Gly]AMNSSSFEGV

ClinVar aggregate classification (germline): Uncertain significance. Review status: criteria provided, multiple submitters, no conflicts (2 of 4 stars). 2 submissions from 2 submitters: Uncertain significance (2). Last evaluated 2025-11-19.

Allele frequency attached by ClinVar (database versions not stated): gnomAD 0.00002; TOPMed 0.00005.
gnomAD v4.1: 4 of 1,612,820 alleles (0.00025%); highest among the groups gnomAD compares: African/African-American, 0.0053%; no homozygotes.

Submissions (2):

Ambry Genetics
Classification: Uncertain significance. Last evaluated: 2025-11-19. Review status: criteria provided, single submitter. Criteria: Ambry Variant Classification Scheme 2023. Collection method: clinical testing. Allele origin: germline.

Women's Health and Genetics/Laboratory Corporation of America, LabCorp
Classification: Uncertain significance. Last evaluated: 2024-09-03. Review status: criteria provided, single submitter. Criteria: LabCorp Variant Classification Summary - May 2015. Collection method: clinical testing. Allele origin: germline.
Comment: Variant summary: GABBR1 c.1531C>G (p.Arg511Gly) results in a non-conservative amino acid change located in the Receptor, ligand binding region (IPR001828) of the encoded protein sequence. Four of five in-silico tools predict a damaging effect of the variant on protein function. The variant was absent in 246540 control chromosomes. The available data on variant occurrences in the general population are insufficient to allow any conclusion about variant significance. To our knowledge, no occurrence of c.1531C>G in individuals affected with Neurodevelopmental Disorder With Language Delay And Variable Cognitive Abnormalities and no experimental evidence demonstrating its impact on protein function have been reported. ClinVar contains an entry for this variant (Variation ID: 2527344). Based on the evidence outlined above, the variant was classified as uncertain significance.